The following is an entry in ClinVar:

NM_001077350.3(NPRL3):c.1018G>C (p.Ala340Pro)

Genes: HBA-LCR (alpha-globin locus control region; plus strand), NPRL3 (NPR3 like, GATOR1 complex subunit; minus strand). Cytogenetic location: 16p13.3.
Variant type: single nucleotide variant.
Coding change: c.1018G>C on transcript NM_001077350.3 (MANE Select); coding-DNA position 1018, G replaced by C.
Protein change: p.Ala340Pro; replaces alanine 340 with proline.
Molecular consequence: missense variant.
Genome position (GRCh38, 1-based): chr16:93,232, C>G on the plus strand (G>C on the coding strand, the complement: NPRL3 is on the minus strand). VCF-style: chr16-93232-C-G. GRCh37 (hg19) VCF-style: chr16-143230-C-G.
Other names: c.481G>C, p.Ala161Pro (NM_001039476.3); c.784G>C, p.Ala262Pro (NM_001243247.2); c.943G>C, p.Ala315Pro (NM_001243248.2, NM_001243249.2); short protein forms A161P, A262P, A315P, A340P.
Identifiers: ClinVar variation 4975956 (VCV004975956.1).
Genomic context (GRCh38, chr16:93,232, plus strand): 5'-CCCCTTCCCACTCGGGGCTCCAGGCTCTGGCAGCCAGCAGCACTCACAGACATACGCTGG[C>G]ATTGGGAGACAGCATGTAGACGTTGTTCTCACACAGCGGGTAGATGATGATGGCCTTGCC-3'
Protein context (NP_001070818.1, residues 330-350): ENNVYMLSPN[Ala340Pro]SVCLYSPLAE

ClinVar aggregate classification (germline): Uncertain significance (1 of 4 stars; one submission).

gnomAD v4.1: 1 of 1,554,186 alleles (0.000064%); highest among the groups gnomAD compares: Admixed American, 0.0019%; no homozygotes.

Submission:

GeneDx
Classification: Uncertain significance. Last evaluated: 2026-02-02. Review status: criteria provided, single submitter. Criteria: GeneDx Variant Classification Process June 2021. Collection method: clinical testing. Allele origin: germline.
Comment: Not observed at significant frequency in large population cohorts (gnomAD); In silico analysis supports that this missense variant has a deleterious effect on protein structure/function; Has not been previously published as pathogenic or benign to our knowledge